The following is an entry in ClinVar:

NM_030962.4(SBF2):c.2951T>G (p.Phe984Cys)

Genes: SBF2 (SET binding factor 2; minus strand), LOC101928008 (uncharacterized LOC101928008; plus strand). Cytogenetic location: 11p15.4.
Variant type: single nucleotide variant.
Coding change: c.2951T>G on transcript NM_030962.4 (MANE Select); coding-DNA position 2951, T replaced by G.
Protein change: p.Phe984Cys; replaces phenylalanine 984 with cysteine.
Molecular consequence: missense variant.
Genome position (GRCh38, 1-based): chr11:9,845,724, A>C on the plus strand (T>G on the coding strand, the complement: SBF2 is on the minus strand). VCF-style: chr11-9845724-A-C. GRCh37 (hg19) VCF-style: chr11-9867271-A-C.
Other names: c.2987T>G, p.Phe996Cys (NM_001425070.1, NM_001424318.1, NM_001425069.1); c.2951T>G, p.Phe984Cys (NM_001386339.1); c.2822T>G, p.Phe941Cys (NM_001386342.1); short protein forms F941C, F984C, F996C.
Identifiers: ClinVar variation 3628197 (VCV003628197.2).
Genomic context (GRCh38, chr11:9,845,724, plus strand): 5'-CGGAACTTCATCAGCTGTTTCTTAAAGATCTCTACTACTTCTGGACTGACTTCTTCATCA[A>C]ATGCTACCTTAATCAACTAGAAGCAAAAGAGATTAAACACAAAAGAAGCATTAAGGATTT-3'
Protein context (NP_112224.1, residues 974-994): SASFQLIKVA[Phe984Cys]DEEVSPEVVE

ClinVar aggregate classification (germline): Uncertain significance (1 of 4 stars; one submission).

Conditions:
Charcot-Marie-Tooth disease type 4. Also called: Charcot-Marie-Tooth disease, type IV; Charcot-Marie-Tooth, Type 4. Identifiers: Orphanet 64749, MedGen C4082197, MONDO:0018995.

gnomAD v4.1: 1 of 1,613,920 alleles (0.000062%); highest among the groups gnomAD compares: Non-Finnish European, 0.000085%; no homozygotes.

Submission:

Labcorp Genetics (formerly Invitae), Labcorp
Classification: Uncertain significance for Charcot-Marie-Tooth disease type 4. Last evaluated: 2024-11-01. Review status: criteria provided, single submitter. Criteria: Invitae Variant Classification Sherloc (09022015). Collection method: clinical testing. Allele origin: germline.
Comment: This sequence change replaces phenylalanine, which is neutral and non-polar, with cysteine, which is neutral and slightly polar, at codon 984 of the SBF2 protein (p.Phe984Cys). This variant is present in population databases (rs775095719, gnomAD 0.0009%). This variant has not been reported in the literature in individuals affected with SBF2-related conditions. Invitae Evidence Modeling of protein sequence and biophysical properties (such as structural, functional, and spatial information, amino acid conservation, physicochemical variation, residue mobility, and thermodynamic stability) indicates that this missense variant is expected to disrupt SBF2 protein function with a positive predictive value of 80%. In summary, the available evidence is currently insufficient to determine the role of this variant in disease. Therefore, it has been classified as a Variant of Uncertain Significance.